The following is an entry in ClinVar:

NM_000059.4(BRCA2):c.2092del (p.Leu698fs)

Gene: BRCA2 (BRCA2 DNA repair associated; plus strand). Cytogenetic location: 13q13.1.
Variant type: Deletion.
Coding change: c.2092del on transcript NM_000059.4 (MANE Select); coding-DNA position 2092, one base deleted (C; older notation c.2092delC).
Protein change: p.Leu698fs; shifts the reading frame from leucine 698.
Molecular consequence: frameshift variant.
Genome position (GRCh38, 1-based): chr13:32,336,447, C deleted. VCF-style (leftmost placement, unchanged base first): chr13-32336446-AC-A. GRCh37 (hg19) VCF-style: chr13-32910583-AC-A.
Other names: 2320delC; c.2092delC (NM_000059.3).
Identifiers: ClinVar variation 37774 (VCV000037774.37), dbSNP rs80359322, ClinGen allele CA014309.

ClinVar aggregate classification (germline): Pathogenic. Review status: reviewed by expert panel (3 of 4 stars). 15 submissions from 15 submitters: Pathogenic (1). 14 of the submissions do not count toward it. Last evaluated 2016-09-08.

Conditions:
BRCA2-related disorder. Also called: BRCA2-related condition; BRCA2-related disorders. Identifiers: MedGen CN239275.
Hereditary cancer-predisposing syndrome. Also called: Neoplastic Syndromes, Hereditary; Hereditary neoplastic syndrome; Tumor predisposition; Hereditary Cancer Syndrome. Identifiers: Orphanet 140162, MedGen C0027672, MeSH D009386, MONDO:0015356.
Hereditary breast ovarian cancer syndrome. Also called: Hereditary breast and/or ovarian cancer syndrome; Breast and ovarian cancer; BRCA1- and BRCA2-Associated Hereditary Breast and Ovarian Cancer; Hereditary breast and ovarian cancer; Hereditary breast and ovarian cancer syndrome; Hereditary breast and ovarian cancer syndrome (HBOC). Identifiers: Orphanet 145, MedGen C0677776, MeSH D061325, MONDO:0003582. Disease mechanism: loss of function.
Breast-ovarian cancer, familial, susceptibility to, 2 (BROVCA2). Also called: BRCA2 Hereditary Breast and Ovarian Cancer. Identifiers: Orphanet 145, MedGen C2675520, MONDO:0012933, OMIM 612555. Disease mechanism: loss of function.
Familial cancer of breast. Also called: BREAST CANCER, FAMILIAL; Hereditary breast cancer; hereditary breast carcinoma. Identifiers: Orphanet 227535, MedGen C0346153, MONDO:0016419, OMIM 114480. Disease mechanism: loss of function.

Allele frequency attached by ClinVar (database versions not stated): TOPMed below 0.00001; gnomAD 0.00001.

Submissions (15):

Evidence-based Network for the Interpretation of Germline Mutant Alleles (ENIGMA)
Classification: Pathogenic for Breast-ovarian cancer, familial, susceptibility to, 2. Last evaluated: 2016-09-08. Review status: reviewed by expert panel. Criteria: ENIGMA BRCA1/2 Classification Criteria (2015). Collection method: curation. Allele origin: germline.
Comment: Variant allele predicted to encode a truncated non-functional protein.

Labcorp Genetics (formerly Invitae), Labcorp
Classification: Pathogenic for Hereditary breast ovarian cancer syndrome. Last evaluated: 2025-09-23. Review status: criteria provided, single submitter. Criteria: Invitae Variant Classification Sherloc (09022015). Collection method: clinical testing. Allele origin: germline. Not counted in ClinVar's aggregate classification.
Comment: This sequence change creates a premature translational stop signal (p.Leu698Tyrfs*32) in the BRCA2 gene. It is expected to result in an absent or disrupted protein product. Loss-of-function variants in BRCA2 are known to be pathogenic (PMID: 20104584). This variant is not present in population databases (gnomAD no frequency). This premature translational stop signal has been observed in individual(s) with breast cancer (PMID: 15887246, 26681312). This variant is also known as 2320delC. ClinVar contains an entry for this variant (Variation ID: 37774). For these reasons, this variant has been classified as Pathogenic.

GeneDx
Classification: Pathogenic. Last evaluated: 2025-03-28. Review status: criteria provided, single submitter. Criteria: GeneDx Variant Classification Process June 2021. Collection method: clinical testing. Allele origin: germline. Affected: yes. Not counted in ClinVar's aggregate classification.
Comment: Frameshift variant predicted to result in protein truncation or nonsense mediated decay in a gene for which loss-of-function is a known mechanism of disease; Observed in individuals with personal or family history consistent with pathogenic variants in this gene (PMID: 15887246, 16550498); Truncating variants in this gene are considered pathogenic by a well-established clinical consortium and/or database; Not observed at significant frequency in large population cohorts (gnomAD); Also known as 2320del; 2320delC; This variant is associated with the following publications: (PMID: 16550498, 32073954, 15887246, 26681312, 32341426, 30787465, 26740259, 32427313, 31853058, 29446198, 22762150, 20104584)

Ambry Genetics
Classification: Pathogenic for Hereditary cancer-predisposing syndrome. Last evaluated: 2025-03-24. Review status: criteria provided, single submitter. Criteria: Ambry Variant Classification Scheme 2023. Collection method: clinical testing. Allele origin: germline. Not counted in ClinVar's aggregate classification.
Comment: The c.2092delC pathogenic mutation, located in coding exon 10 of the BRCA2 gene, results from a deletion of one nucleotide at nucleotide position 2092, causing a translational frameshift with a predicted alternate stop codon (p.L698Yfs*32). This mutation has been reported in multiple individuals with herediatry breast and/or ovarian cancer (Bonadona V et al. Genes Chromosomes Cancer 2005 Aug; 43(4):404-13; Susswein LR et al. Genet. Med. 2016 08;18(8):823-32; Rebbeck TR et al. Hum. Mutat. 2018 05;39(5):593-620). Of note, this mutation is also designated as 2320delC in published literature. In addition to the clinical data presented in the literature, this alteration is expected to result in loss of function by premature protein truncation or nonsense-mediated mRNA decay. As such, this alteration is interpreted as a disease-causing mutation.

Baylor Genetics
Classification: Pathogenic for Familial cancer of breast. Last evaluated: 2024-02-27. Review status: criteria provided, single submitter. Criteria: ACMG Guidelines, 2015. Collection method: clinical testing. Allele origin: unknown. Not counted in ClinVar's aggregate classification.

KCCC/NGS Laboratory, Kuwait Cancer Control Center
Classification: Pathogenic for Breast-ovarian cancer, familial, susceptibility to, 2. Last evaluated: 2023-06-15. Review status: criteria provided, single submitter. Criteria: ACMG Guidelines, 2015. Collection method: clinical testing. Allele origin: unknown. Inheritance: Autosomal dominant inheritance. Affected: yes. Not counted in ClinVar's aggregate classification.
Comment: This sequence change creates a premature translational stop signal (p.Leu698Tyrfs*32) in the BRCA2 gene. It is expected to result in an absent or disrupted protein product. Loss-of-function variants in BRCA2 are known to be pathogenic (PMID: 20104584). This variant is not present in population databases (ExAC no frequency). This premature translational stop signal has been observed in individual(s) with breast cancer (PMID: 15887246, 26681312). This variant is also known as 2320delC. For these reasons, this variant has been classified as Pathogenic.

Laboratory for Molecular Medicine, Mass General Brigham Personalized Medicine
Classification: Pathogenic for Hereditary breast ovarian cancer syndrome. Last evaluated: 2022-11-03. Review status: criteria provided, single submitter. Criteria: ACMG Guidelines, 2015. Collection method: clinical testing. Allele origin: germline. Inheritance: Autosomal dominant inheritance. Not counted in ClinVar's aggregate classification.
Comment: The p.Leu698fs variant in BRCA2 has been reported in 2 individuals with breast cancer (Bonadona 2005 PMID: 15887246, Susswein 2015 PMID: 26681312). It was absent from large population studies. This variant is predicted to cause a frameshift, which alters the protein’s amino acid sequence beginning at position 698 and leads to a premature termination codon 32 amino acids downstream. This alteration is then predicted to lead to a truncated or absent protein. Heterozygous loss of function of the BRCA2 gene is an established disease mechanism for hereditary breast and ovarian cancer (HBOC). In summary, this variant meets our criteria to be classified as pathogenic for HBOC in an autosomal dominant. ACMG/AMP criteria applied: PVS1, PM2_Supporting, PS4_Supporting.

Women's Health and Genetics/Laboratory Corporation of America, LabCorp
Classification: Pathogenic for Hereditary breast ovarian cancer syndrome. Last evaluated: 2022-01-10. Review status: criteria provided, single submitter. Criteria: LabCorp Variant Classification Summary - May 2015. Collection method: clinical testing. Allele origin: germline. Not counted in ClinVar's aggregate classification.
Comment: Variant summary: BRCA2 c.2092delC (p.Leu698TyrfsX32) results in a premature termination codon, predicted to cause a truncation of the encoded protein or absence of the protein due to nonsense mediated decay, which are commonly known mechanisms for disease. Truncations downstream of this position have been classified as pathogenic by our laboratory. The variant was absent in 250696 control chromosomes. c.2092delC has been reported in the literature in individuals affected with Breast, Ovarian, and Prostate Cancer (example: Palmer_2020, De Talhouet_2020, Bonadona_2005, Susswein_2016, Wu_2018, Weber_2006) and was screened for patients with elevated risk for Breast and Ovarian cancer (example: Rebbeck_2018, Lecarpentier_2012). These data indicate that the variant is likely to be associated with disease. To our knowledge, no experimental evidence demonstrating an impact on protein function has been reported. Nine ClinVar submitters, including one expert panel and one consortia, have assessed the variant since 2014: all submitters classified the variant as pathogenic. Based on the evidence outlined above, the variant was classified as pathogenic.

Sema4
Classification: Pathogenic for Hereditary cancer-predisposing syndrome. Last evaluated: 2021-11-14. Review status: criteria provided, single submitter. Criteria: Sema4 Curation Guidelines. Collection method: curation. Allele origin: germline. Not counted in ClinVar's aggregate classification.
Comment: The BRCA2 c.2092delC (p.L698YfsX32) variant has been reported in heterozygosity in patients with breast or ovarian cancer (PMID: 15887246, 32341426, 26681312, 29446198, 26740259). It is also known as 2320delC in the literature. This variant causes a frameshift at amino acid 698 that results in premature termination 32 amino acids downstream. This variant is predicted to cause loss of normal protein function either through protein truncation or nonsense-mediated mRNA decay. Loss of function variants in BRCA2 are known to be pathogenic (PMID: 29446198). This variant is not reported in the population database Genome Aggregation Database (PMID: 32461654). This variant has been reported in ClinVar (Variation ID: 37774). Based on the current evidence available, this variant is interpreted as pathogenic.

Blueprint Genetics
Classification: Pathogenic for BRCA2-related disorders. Last evaluated: 2020-10-05. Review status: criteria provided, single submitter. Criteria: ACMG Guidelines, 2015. Collection method: clinical testing. Allele origin: germline. Affected: yes. Observed: 1 variant allele. Not counted in ClinVar's aggregate classification.

Biesecker Lab/Clinical Genomics Section, National Institutes of Health
Classification: Pathogenic for Breast-ovarian cancer, familial, susceptibility to, 2. Last evaluated: 2019-04-12. Review status: criteria provided, single submitter. Criteria: ACMG Guidelines, 2015. Collection method: curation. Allele origin: germline. Study: CSER_ClinSeq. Not counted in ClinVar's aggregate classification.

PreventionGenetics, part of Exact Sciences
Classification: Pathogenic. Last evaluated: 2017-09-08. Review status: criteria provided, single submitter. Criteria: ACMG Guidelines, 2015. Collection method: clinical testing. Allele origin: germline. Not counted in ClinVar's aggregate classification.

Consortium of Investigators of Modifiers of BRCA1/2 (CIMBA), c/o University of Cambridge
Classification: Pathogenic for Breast-ovarian cancer, familial, susceptibility to, 2. Last evaluated: 2015-10-02. Review status: criteria provided, single submitter. Criteria: CIMBA Mutation Classification guidelines May 2016. Collection method: clinical testing. Allele origin: germline. Not counted in ClinVar's aggregate classification.

Sharing Clinical Reports Project (SCRP)
Classification: Pathogenic for Breast-ovarian cancer, familial 2. Last evaluated: 2011-05-27. Review status: no assertion criteria provided. Collection method: clinical testing. Allele origin: germline. Not counted in ClinVar's aggregate classification.

Breast Cancer Information Core (BIC) (BRCA2)
Classification: Pathogenic for Breast-ovarian cancer, familial 2. Last evaluated: 2003-12-23. Review status: no assertion criteria provided. Collection method: clinical testing. Allele origin: germline. Affected: yes. Observed: 2 variant alleles. Not counted in ClinVar's aggregate classification.

Literature cited by the submitters: PubMed 20104584 (cited by Labcorp Genetics (formerly Invitae), Labcorp); PubMed 15887246 (cited by 5 submitters); PubMed 26681312 (cited by 4 submitters); PubMed 22762150 (cited by Women's Health and Genetics/Laboratory Corporation of America, LabCorp); PubMed 16550498 (cited by Women's Health and Genetics/Laboratory Corporation of America, LabCorp); PubMed 29446198 (cited by Women's Health and Genetics/Laboratory Corporation of America, LabCorp and Sema4); PubMed 32427313 (cited by Women's Health and Genetics/Laboratory Corporation of America, LabCorp); PubMed 32341426 (cited by Women's Health and Genetics/Laboratory Corporation of America, LabCorp and Sema4); PubMed 29906450 (cited by Women's Health and Genetics/Laboratory Corporation of America, LabCorp); PubMed 26740259 (cited by Sema4).